The following is an entry in ClinVar:

ClinVar aggregate classification (germline): Likely pathogenic (1 of 4 stars; one submission).

Submission:

GeneDx
Classification: Likely pathogenic. Last evaluated: 2024-07-08. Review status: criteria provided, single submitter. Criteria: GeneDx Variant Classification Process June 2021. Collection method: clinical testing. Allele origin: germline. Affected: yes.
Comment: Nonsense variant predicted to result in protein truncation or nonsense mediated decay in a gene for which loss of function is a known mechanism of disease; Not observed at significant frequency in large population cohorts (gnomAD); Has not been previously published as pathogenic or benign to our knowledge

NM_194454.3(KRIT1):c.853C>T (p.Gln285Ter)

Gene: KRIT1 (KRIT1 ankyrin repeat containing; minus strand). Cytogenetic location: 7q21.2.
Variant type: single nucleotide variant.
Coding change: c.853C>T on transcript NM_194454.3 (MANE Select); coding-DNA position 853, C replaced by T.
Protein change: p.Gln285Ter; replaces glutamine 285 with a stop codon.
Molecular consequence: nonsense. On other transcripts: intron variant (3).
Genome position (GRCh38, 1-based): chr7:92,234,585, G>A on the plus strand (C>T on the coding strand, the complement: KRIT1 is on the minus strand). VCF-style: chr7-92234585-G-A. GRCh37 (hg19) VCF-style: chr7-91863899-G-A.
Other names: c.139C>T, p.Gln47Ter (NM_001350671.1); c.853C>T, p.Gln285Ter (NM_001350672.1, NM_001350673.1, NM_001350674.1 and 26 more transcripts); c.845+223C>T (NM_001350669.1, NM_001013406.2, NM_001350670.1); short protein forms Q285*, Q47*.
Identifiers: ClinVar variation 3572503 (VCV003572503.1).
Genomic context (GRCh38, chr7:92,234,585, plus strand): 5'-TTAGTAATTCTGAATCTCCTTCACAGGCGCTTCGGTGGAGAGGAAAATCATCTACCCACT[G>A]TCGTTCCCTAATCATTAAAAAGAAATTTTGAAAAATACAACAGGACTGTAAAAATTGTTT-3'